The following is an entry in ClinVar:

NM_001848.3(COL6A1):c.2035C>G (p.Pro679Ala)

Gene: COL6A1 (collagen type VI alpha 1 chain; plus strand). Cytogenetic location: 21q22.3.
Variant type: single nucleotide variant.
Coding change: c.2035C>G on transcript NM_001848.3 (MANE Select); coding-DNA position 2035, C replaced by G.
Protein change: p.Pro679Ala; replaces proline 679 with alanine.
Molecular consequence: missense variant.
Genome position (GRCh38, 1-based): chr21:46,002,039, C>G. VCF-style: chr21-46002039-C-G. GRCh37 (hg19) VCF-style: chr21-47421953-C-G.
Other names: short protein forms P679A.
Identifiers: ClinVar variation 2163668 (VCV002163668.4), dbSNP rs756467809, ClinGen allele CA410535205.
Genomic context (GRCh38, chr21:46,002,039, plus strand): 5'-TACGCGGGTGTGGTGCAGTACAGCCACAGCCAGATGCAGGAGCACGTGAGCCTGCGCAGC[C>G]CCAGCATCCGGAACGTGCAGGAGCTCAAGGAGTGAGTGCCCCACGCGGCCAGGACCCTCC-3'
Protein context (NP_001839.2, residues 669-689): QMQEHVSLRS[Pro679Ala]SIRNVQELKE

ClinVar aggregate classification (germline): Uncertain significance (1 of 4 stars; one submission).

Conditions:
Bethlem myopathy 1A. Also called: Bethlem Muscular Dystrophy; Bethlem myopathy 1; MYOPATHY, BENIGN CONGENITAL, WITH CONTRACTURES. Identifiers: Orphanet 610, MedGen CN029274, MONDO:0024530, OMIM 158810.

gnomAD v4.1: 2 of 1,612,492 alleles (0.00012%); no homozygotes.

Submission:

Labcorp Genetics (formerly Invitae), Labcorp
Classification: Uncertain significance for Bethlem myopathy 1A. Last evaluated: 2022-06-18. Review status: criteria provided, single submitter. Criteria: Invitae Variant Classification Sherloc (09022015). Collection method: clinical testing. Allele origin: germline.
Comment: This sequence change replaces proline, which is neutral and non-polar, with alanine, which is neutral and non-polar, at codon 679 of the COL6A1 protein (p.Pro679Ala). This variant is not present in population databases (gnomAD no frequency). In summary, the available evidence is currently insufficient to determine the role of this variant in disease. Therefore, it has been classified as a Variant of Uncertain Significance. Advanced modeling of protein sequence and biophysical properties (such as structural, functional, and spatial information, amino acid conservation, physicochemical variation, residue mobility, and thermodynamic stability) performed at Invitae indicates that this missense variant is not expected to disrupt COL6A1 protein function. This variant has not been reported in the literature in individuals affected with COL6A1-related conditions.